The following is an entry in ClinVar:

ClinVar aggregate classification (germline): Uncertain significance (1 of 4 stars; one submission).

Conditions:
Angelman syndrome-like. Identifiers: MedGen CN128785.
Developmental and epileptic encephalopathy, 2 (DEE2). Also called: INFANTILE SPASM SYNDROME, X-LINKED 2; CDKL5 deficiency disorder. Identifiers: Orphanet 1934, Orphanet 3451, Orphanet 505652, MedGen C4750718, MONDO:0010396, OMIM 300672.

Submission:

Labcorp Genetics (formerly Invitae), Labcorp
Classification: Uncertain significance for Developmental and epileptic encephalopathy, 2; Angelman syndrome-like. Last evaluated: 2023-10-08. Review status: criteria provided, single submitter. Criteria: Invitae Variant Classification Sherloc (09022015). Collection method: clinical testing. Allele origin: unknown.
Comment: This variant results in a copy number gain of the genomic region encompassing exon(s) 2-12 of the CDKL5 gene. This region includes the initiator codon of the gene. This copy number gain extends beyond the assayed region for this gene and therefore may encompass additional genes. As the precise location of this event is unknown, it may be in tandem or it may be located elsewhere in the genome. This variant has not been reported in the literature in individuals affected with CDKL5-related conditions. In summary, the available evidence is currently insufficient to determine the role of this variant in disease. Therefore, it has been classified as a Variant of Uncertain Significance.

NC_000023.10:g.(?_18525053)_(18623008_?)dup

Gene: CDKL5 (cyclin dependent kinase like 5; plus strand). Cytogenetic location: Xp22.13.
Variant type: Duplication.
Identifiers: ClinVar variation 3244354 (VCV003244354.1).